The following is an entry in ClinVar:

GRCh37/hg19 20p11.23-q11.22(chr20:18665879-33903216)x3

Genes: ABHD12 (abhydrolase domain containing 12, lysophospholipase; minus strand), ACSS1 (acyl-CoA synthetase short chain family member 1; minus strand), ACSS2 (acyl-CoA synthetase short chain family member 2; plus strand), ACTL10 (actin like 10; plus strand), AHCY (adenosylhomocysteinase; minus strand) and 114 more. Cytogenetic location: 20p11.23-q11.22.
Variant type: copy number gain.
Change: copy number 3 (three copies instead of two) of chr20:18,665,879-33,903,216 (15.24 Mb, GRCh37 coordinates, 1-based), cytogenetic band 20p11.23-q11.22.
Identifiers: ClinVar variation 1341087 (VCV001341087.1).

ClinVar aggregate classification (germline): Likely pathogenic (0 of 4 stars; one submission).

Submission:

Quest Diagnostics Nichols Institute San Juan Capistrano
Classification: Likely pathogenic. Last evaluated: 2021-02-01. Review status: no assertion criteria provided. Collection method: clinical testing. Allele origin: germline.
Comment: The copy number gain of 20p11.23q11.22 involves several genes which are associated with autosomal dominant disorders: THBD (OMIM 612926), CST3 (OMIM 105150), VSX1 (OMIM 148300), and MYLK2 (OMIM 192600), POFUT1 (OMIM 615327), KIF3B (OMIM 618955), ASXL (OMIM 605039), SNTA1 (OMIM 612955), and CHMP4B (OMIM 605387). A single publication identified a 13.6 Mb overlapping interstitial duplication in a child with mild global developmental delay. Unexpectedly, the child's mother and pregnant sister both were healthy carriers of this gain (Masson et al., Cytogenet Genome Res. 2019;157(3):141-147. PMID: 30947196). Additionally, another publication identified a 20p11.21-p11.23 duplication, overlapping a majority of the current gain, segregating in a family with Alagille syndrome, characterized by distinctive facies, cardiovascular anomalies, paucity of interlobular bile ducts (PILBD), ocular anomalies and minor skeletal malformations (Moog et al., Clin Dysmorphol. 1996 Oct;5(4):279-88. PMID: 8905191). Otherwise, copy number gains of this locus have not yet been associated with a specific clinical phenotype, and there are no similar copy number gains of this region in the general populations of the Database of Genomic Variants. Thus, based on size, literature review and gene content, this copy number gain is interpreted as likely pathogenic.